The following is an entry in ClinVar:

ClinVar aggregate classification (germline): Uncertain significance (1 of 4 stars; one submission).

Conditions:
Severe combined immunodeficiency due to IKK2 deficiency. Also called: IMMUNODEFICIENCY 15B; Immunodeficiency 15. Identifiers: Orphanet 397787, MedGen C4747743, MONDO:0014267, OMIM 615592.

Allele frequency attached by ClinVar (database versions not stated): gnomAD exomes below 0.00001 and 0.00001.
gnomAD v4.1: 4 of 1,614,094 alleles (0.00025%); highest among the groups gnomAD compares: Non-Finnish European, 0.00025%; no homozygotes.

Submission:

Labcorp Genetics (formerly Invitae), Labcorp
Classification: Uncertain significance for Severe combined immunodeficiency due to IKK2 deficiency. Last evaluated: 2025-03-03. Review status: criteria provided, single submitter. Criteria: Invitae Variant Classification Sherloc (09022015). Collection method: clinical testing. Allele origin: germline.
Comment: This sequence change replaces threonine, which is neutral and polar, with isoleucine, which is neutral and non-polar, at codon 11 of the IKBKB protein (p.Thr11Ile). This variant is present in population databases (no rsID available, gnomAD 0.0009%). This variant has not been reported in the literature in individuals affected with IKBKB-related conditions. ClinVar contains an entry for this variant (Variation ID: 1429411). An algorithm developed to predict the effect of missense changes on protein structure and function (PolyPhen-2) suggests that this variant is likely to be tolerated. In summary, the available evidence is currently insufficient to determine the role of this variant in disease. Therefore, it has been classified as a Variant of Uncertain Significance.

NM_001556.3(IKBKB):c.32C>T (p.Thr11Ile)

Gene: IKBKB (inhibitor of nuclear factor kappa B kinase subunit beta; plus strand). Cytogenetic location: 8p11.21.
Variant type: single nucleotide variant.
Coding change: c.32C>T on transcript NM_001556.3 (MANE Select); coding-DNA position 32, C replaced by T.
Protein change: p.Thr11Ile; replaces threonine 11 with isoleucine.
Molecular consequence: missense variant. On other transcripts: 5 prime UTR variant (1), non-coding transcript variant (3), intron variant (1).
Genome position (GRCh38, 1-based): chr8:42,272,132, C>T. VCF-style: chr8-42272132-C-T. GRCh37 (hg19) VCF-style: chr8-42129650-C-T.
Other names: c.-51C>T (NM_001242778.2); c.-88+663C>T (NM_001190720.3); short protein forms T11I.
Identifiers: ClinVar variation 1429411 (VCV001429411.7), dbSNP rs1388981077, ClinGen allele CA371088276.